The following is an entry in ClinVar:

NM_207122.2(EXT2):c.572T>C (p.Met191Thr)

Gene: EXT2 (exostosin glycosyltransferase 2; plus strand). Cytogenetic location: 11p11.2.
Variant type: single nucleotide variant.
Coding change: c.572T>C on transcript NM_207122.2 (MANE Select); coding-DNA position 572, T replaced by C.
Protein change: p.Met191Thr; replaces methionine 191 with threonine.
Molecular consequence: missense variant.
Genome position (GRCh38, 1-based): chr11:44,109,229, T>C. VCF-style: chr11-44109229-T-C. GRCh37 (hg19) VCF-style: chr11-44130779-T-C.
Other names: c.671T>C, p.Met224Thr (NM_000401.3); c.572T>C, p.Met191Thr (NM_001178083.3, NM_001389628.1, NM_001389630.1); short protein forms M191T, M224T.
Identifiers: ClinVar variation 2162372 (VCV002162372.4), dbSNP rs778431321, ClinGen allele CA5954937.
Genomic context (GRCh38, chr11:44,109,229, plus strand): 5'-TCCTACATTTTAAATTTCTTGACAGGTGGGATCGAGGTACGAATCACCTGTTGTTCAACA[T>C]GTTGCCTGGAGGTCCCCCAGATTATAACACAGCCCTGGATGTCCCCAGAGACAGGTAGGA-3'
Protein context (NP_997005.1, residues 181-201): DRGTNHLLFN[Met191Thr]LPGGPPDYNT

ClinVar aggregate classification (germline): Uncertain significance (1 of 4 stars; one submission).

Conditions:
Exostoses, multiple, type 2 (EXT2). Also called: Hereditary Multiple Osteochondromatosis, Type II; EXOSTOSES, MULTIPLE, TYPE II. Identifiers: Orphanet 321, MedGen C1851413, MONDO:0007586, OMIM 133701.

Allele frequency attached by ClinVar (database versions not stated): ExAC 0.00001; gnomAD exomes 0.00001; gnomAD 0.00002; TOPMed 0.00002.

Submission:

Labcorp Genetics (formerly Invitae), Labcorp
Classification: Uncertain significance for Exostoses, multiple, type 2. Last evaluated: 2022-08-25. Review status: criteria provided, single submitter. Criteria: Invitae Variant Classification Sherloc (09022015). Collection method: clinical testing. Allele origin: germline.
Comment: In summary, the available evidence is currently insufficient to determine the role of this variant in disease. Therefore, it has been classified as a Variant of Uncertain Significance. Algorithms developed to predict the effect of missense changes on protein structure and function are either unavailable or do not agree on the potential impact of this missense change (SIFT: "Deleterious"; PolyPhen-2: "Probably Damaging"; Align-GVGD: "Class C0"). This variant has not been reported in the literature in individuals affected with EXT2-related conditions. This variant is present in population databases (rs778431321, gnomAD 0.008%). This sequence change replaces methionine, which is neutral and non-polar, with threonine, which is neutral and polar, at codon 191 of the EXT2 protein (p.Met191Thr).